The following is an entry in ClinVar:

ClinVar aggregate classification (germline): Uncertain significance. Review status: criteria provided, multiple submitters, no conflicts (2 of 4 stars). 2 submissions from 2 submitters: Uncertain significance (2). Last evaluated 2026-04-01.

Allele frequency attached by ClinVar (database versions not stated): TOPMed below 0.00001; gnomAD exomes 0.00001; ExAC 0.00002.
gnomAD v4.1: 19 of 1,614,150 alleles (0.0012%); highest among the groups gnomAD compares: Non-Finnish European, 0.0014%; no homozygotes.

Submissions (2):

CeGaT Center for Human Genetics Tuebingen
Classification: Uncertain significance. Last evaluated: 2026-04-01. Review status: criteria provided, single submitter. Criteria: CeGaT Center For Human Genetics Tuebingen Variant Classification Criteria Version 2. Collection method: clinical testing. Allele origin: germline. Affected: yes. Observed: 2 variant alleles.

Labcorp Genetics (formerly Invitae), Labcorp
Classification: Uncertain significance. Last evaluated: 2023-06-24. Review status: criteria provided, single submitter. Criteria: Invitae Variant Classification Sherloc (09022015). Collection method: clinical testing. Allele origin: germline.
Comment: In summary, the available evidence is currently insufficient to determine the role of this variant in disease. Therefore, it has been classified as a Variant of Uncertain Significance. Advanced modeling of protein sequence and biophysical properties (such as structural, functional, and spatial information, amino acid conservation, physicochemical variation, residue mobility, and thermodynamic stability) performed at Invitae indicates that this missense variant is not expected to disrupt MTOR protein function. ClinVar contains an entry for this variant (Variation ID: 2192804). This variant has not been reported in the literature in individuals affected with MTOR-related conditions. This variant is present in population databases (rs771270182, gnomAD 0.002%). This sequence change replaces isoleucine, which is neutral and non-polar, with valine, which is neutral and non-polar, at codon 528 of the MTOR protein (p.Ile528Val).

NM_004958.4(MTOR):c.1582A>G (p.Ile528Val)

Gene: MTOR (mechanistic target of rapamycin kinase; minus strand). Cytogenetic location: 1p36.22.
Variant type: single nucleotide variant.
Coding change: c.1582A>G on transcript NM_004958.4 (MANE Select); coding-DNA position 1582, A replaced by G.
Protein change: p.Ile528Val; replaces isoleucine 528 with valine.
Molecular consequence: missense variant.
Genome position (GRCh38, 1-based): chr1:11,240,507, T>C on the plus strand (A>G on the coding strand, the complement: MTOR is on the minus strand). VCF-style: chr1-11240507-T-C. GRCh37 (hg19) VCF-style: chr1-11300564-T-C.
Other names: c.1582A>G, p.Ile528Val (NM_001386500.1); c.334A>G, p.Ile112Val (NM_001386501.1); short protein forms I112V, I528V.
Identifiers: ClinVar variation 2192804 (VCV002192804.9), dbSNP rs771270182, ClinGen allele CA590676.